The following is an entry in ClinVar:

ClinVar aggregate classification (germline): Uncertain significance (1 of 4 stars; one submission).

Submission:

GeneDx
Classification: Uncertain significance. Last evaluated: 2026-02-23. Review status: criteria provided, single submitter. Criteria: GeneDx Variant Classification Process June 2021. Collection method: clinical testing. Allele origin: germline.
Comment: Not observed at significant frequency in large population cohorts (gnomAD); In silico analysis supports that this missense variant has a deleterious effect on protein structure/function; Has not been previously published as pathogenic or benign to our knowledge

NM_001083962.2(TCF4):c.1162G>T (p.Asp388Tyr)

Gene: TCF4 (transcription factor 4; minus strand). Cytogenetic location: 18q21.2.
Variant type: single nucleotide variant.
Coding change: c.1162G>T on transcript NM_001083962.2 (MANE Select); coding-DNA position 1162, G replaced by T.
Protein change: p.Asp388Tyr; replaces aspartic acid 388 with tyrosine.
Molecular consequence: missense variant.
Genome position (GRCh38, 1-based): chr18:55,254,685, C>A on the plus strand (G>T on the coding strand, the complement: TCF4 is on the minus strand). VCF-style: chr18-55254685-C-A. GRCh37 (hg19) VCF-style: chr18-52921916-C-A.
Other names: c.682G>T, p.Asp228Tyr (NM_001348216.2, NM_001243234.2, NM_001243235.2 and 1 more transcripts); c.1090G>T, p.Asp364Tyr (NM_001348217.1, NM_001348218.2, NM_001348219.2 and 5 more transcripts); c.1087G>T, p.Asp363Tyr (NM_001348220.1, NM_001369576.1, NM_001369577.1 and 6 more transcripts); c.1162G>T, p.Asp388Tyr (NM_001369567.1, NM_001369568.1, NM_001369571.1 and 2 more transcripts); c.1159G>T, p.Asp387Tyr (NM_001369569.1, NM_001369570.1, NM_001330604.3 and 2 more transcripts); c.1468G>T, p.Asp490Tyr (NM_001243226.3); c.1180G>T, p.Asp394Tyr (NM_001243228.2); c.1153G>T, p.Asp385Tyr (NM_001243230.2); and 6 more; short protein forms D172Y, D227Y, D228Y, D258Y, D317Y, D346Y, D363Y, D364Y.
Identifiers: ClinVar variation 4887930 (VCV004887930.1).